The following is an entry in ClinVar:

ClinVar aggregate classification (germline): Uncertain significance (1 of 4 stars; one submission).

Submission:

Mayo Clinic Laboratories, Mayo Clinic
Classification: Uncertain significance. Last evaluated: 2025-01-17. Review status: criteria provided, single submitter. Criteria: ACMG Guidelines, 2015. Collection method: clinical testing. Allele origin: germline. Observed: 1 variant allele.
Comment: PP3, PM2_supporting

NM_032588.4(TRIM63):c.451C>T (p.His151Tyr)

Gene: TRIM63 (tripartite motif containing 63; minus strand). Cytogenetic location: 1p36.11.
Variant type: single nucleotide variant.
Coding change: c.451C>T on transcript NM_032588.4 (MANE Select); coding-DNA position 451, C replaced by T.
Protein change: p.His151Tyr; replaces histidine 151 with tyrosine.
Molecular consequence: missense variant.
Genome position (GRCh38, 1-based): chr1:26,061,216, G>A on the plus strand (C>T on the coding strand, the complement: TRIM63 is on the minus strand). VCF-style: chr1-26061216-G-A. GRCh37 (hg19) VCF-style: chr1-26387707-G-A.
Other names: p.His151Tyr; short protein forms H151Y.
Identifiers: ClinVar variation 4540920 (VCV004540920.1).